The following is an entry in ClinVar:

NM_000488.4(SERPINC1):c.484_486del (p.Leu162del)

Gene: SERPINC1 (serpin family C member 1; minus strand). Cytogenetic location: 1q25.1.
Variant type: Deletion.
Coding change: c.484_486del on transcript NM_000488.4 (MANE Select); coding-DNA positions 484 to 486, 3 bases deleted (CTC; older notation c.484_486delCTC).
Protein change: p.Leu162del; deletes leucine 162.
Molecular consequence: inframe deletion. On other transcripts: intron variant (1).
Genome position (GRCh38, 1-based): chr1:173,911,937-173,911,939, GAG deleted on the plus strand (CTC on the coding strand, the reverse complement: SERPINC1 is on the minus strand). VCF-style (leftmost placement, unchanged base first): chr1-173911936-AGAG-A. GRCh37 (hg19) VCF-style: chr1-173881074-AGAG-A.
Other names: c.340_342del, p.Leu114del (NM_001365052.2); c.484_486del, p.Leu162del (NM_001386302.1, NM_001386304.1, NM_001386305.1); c.565_567del, p.Leu189del (NM_001386303.1); c.409-1048_409-1046del (NM_001386306.1); short protein forms L162del, L114del, L189del.
Identifiers: ClinVar variation 4730954 (VCV004730954.1).

ClinVar aggregate classification (germline): Uncertain significance (1 of 4 stars; one submission).

Conditions:
Hereditary antithrombin deficiency (AT3D). Also called: Antithrombin III deficiency; Thrombophilia due to antithrombin III deficiency; Antithrombin deficiency; Reduced antithrombin III activity. Identifiers: Orphanet 82, MedGen C0272375, MONDO:0013144, OMIM 613118, HP:0001976.

Submission:

Labcorp Genetics (formerly Invitae), Labcorp
Classification: Uncertain significance for Hereditary antithrombin deficiency. Last evaluated: 2025-11-11. Review status: criteria provided, single submitter. Criteria: Invitae Variant Classification Sherloc (09022015). Collection method: clinical testing. Allele origin: germline.
Comment: This variant, c.484_486del, results in the deletion of 1 amino acid(s) of the SERPINC1 protein (p.Leu162del), but otherwise preserves the integrity of the reading frame. This variant is not present in population databases (gnomAD no frequency). This variant has been observed in individual(s) with hereditary antithrombin III deficiency (internal data). This variant disrupts a region of the SERPINC1 protein in which other variant(s) (p.Leu162His) have been observed in individuals with SERPINC1-related conditions (PMID: 30975910). This suggests that this is a clinically significant region of the protein, and that variants that disrupt it are likely to be disease-causing. In summary, the available evidence is currently insufficient to determine the role of this variant in disease. Therefore, it has been classified as a Variant of Uncertain Significance.

Literature cited by the submitters: PubMed 30975910.